The following is an entry in ClinVar:

NM_015910.7(WDPCP):c.1527C>A (p.Ser509Arg)

Gene: WDPCP (WD repeat containing planar cell polarity effector; minus strand). Cytogenetic location: 2p15.
Variant type: single nucleotide variant.
Coding change: c.1527C>A on transcript NM_015910.7 (MANE Select); coding-DNA position 1527, C replaced by A.
Protein change: p.Ser509Arg; replaces serine 509 with arginine.
Molecular consequence: missense variant. On other transcripts: non-coding transcript variant (3).
Genome position (GRCh38, 1-based): chr2:63,382,003, G>T on the plus strand (C>A on the coding strand, the complement: WDPCP is on the minus strand). VCF-style: chr2-63382003-G-T. GRCh37 (hg19) VCF-style: chr2-63609138-G-T.
Other names: c.1050C>A, p.Ser350Arg (NM_001042692.3); c.1455C>A, p.Ser485Arg (NM_001354044.2); c.1527C>A, p.Ser509Arg (NM_001354045.2); short protein forms S509R, S350R, S485R.
Identifiers: ClinVar variation 2073892 (VCV002073892.4), dbSNP rs1357650656, ClinGen allele CA347063380.
Genomic context (GRCh38, chr2:63,382,003, plus strand): 5'-GTTTACAATGGCGCTCATGCTGATAAAGCACTGGTGGCCCAGAGTGTCCCAGTTCATGCT[G>T]CTCAGGATGTTTATTGCCTCATAGATCTCATCACAGTGAATGTACTGGAAGATGATGTCT-3'
Protein context (NP_056994.3, residues 499-519): DEIYEAINIL[Ser509Arg]SMNWDTLGHQ

ClinVar aggregate classification (germline): Uncertain significance (1 of 4 stars; one submission).

Conditions:
Bardet-Biedl syndrome (BBS). Identifiers: Orphanet 110, MedGen C0752166, MONDO:0015229.

Submission:

Labcorp Genetics (formerly Invitae), Labcorp
Classification: Uncertain significance for Bardet-Biedl syndrome. Last evaluated: 2022-01-04. Review status: criteria provided, single submitter. Criteria: Invitae Variant Classification Sherloc (09022015). Collection method: clinical testing. Allele origin: germline.
Comment: In summary, the available evidence is currently insufficient to determine the role of this variant in disease. Therefore, it has been classified as a Variant of Uncertain Significance. Algorithms developed to predict the effect of missense changes on protein structure and function (SIFT, PolyPhen-2, Align-GVGD) all suggest that this variant is likely to be tolerated. This variant has not been reported in the literature in individuals affected with WDPCP-related conditions. This variant is not present in population databases (gnomAD no frequency). This sequence change replaces serine, which is neutral and polar, with arginine, which is basic and polar, at codon 509 of the WDPCP protein (p.Ser509Arg).